The following is an entry in ClinVar:

NC_000023.10:g.(?_19649962)_(20284750_?)dup

Genes: BCLAF3 (BCLAF1 and THRAP3 family member 3; minus strand), EIF1AX (eukaryotic translation initiation factor 1A X-linked; minus strand), MAP7D2 (MAP7 domain containing 2; minus strand), RPS6KA3 (ribosomal protein S6 kinase A3; minus strand), SH3KBP1 (SH3 domain containing kinase binding protein 1; minus strand). Cytogenetic location: Xp22.12.
Variant type: Duplication.
Identifiers: ClinVar variation 3246873 (VCV003246873.1).

ClinVar aggregate classification (germline): Uncertain significance (1 of 4 stars; one submission).

Submission:

Labcorp Genetics (formerly Invitae), Labcorp
Classification: Uncertain significance. Last evaluated: 2023-12-19. Review status: criteria provided, single submitter. Criteria: Invitae Variant Classification Sherloc (09022015). Collection method: clinical testing. Allele origin: unknown.
Comment: This variant results in a copy number gain of the genomic region encompassing exon(s) 1-8 of the SH3KBP1 gene. This region includes the initiator codon of the gene. This copy number gain extends beyond the assayed region for this gene and therefore may encompass additional genes. As the precise location of this event is unknown, it may be in tandem or it may be located elsewhere in the genome. This variant has not been reported in the literature in individuals affected with SH3KBP1-related conditions. In summary, the available evidence is currently insufficient to determine the role of this variant in disease. Therefore, it has been classified as a Variant of Uncertain Significance.